The following is an entry in ClinVar:

ClinVar aggregate classification (germline): Conflicting classifications of pathogenicity. Review status: criteria provided, conflicting classifications (1 of 4 stars). 2 submissions from 2 submitters: Uncertain significance (1); Likely benign (1). Last evaluated 2025-11-24.

gnomAD v4.1: 37 of 1,614,222 alleles (0.0023%); highest among the groups gnomAD compares: Middle Eastern, 0.12%; no homozygotes.

Submissions (2):

Ambry Genetics
Classification: Likely benign. Last evaluated: 2025-11-24. Review status: criteria provided, single submitter. Criteria: Ambry Variant Classification Scheme 2023. Collection method: clinical testing. Allele origin: germline.

Labcorp Genetics (formerly Invitae), Labcorp
Classification: Uncertain significance. Last evaluated: 2024-09-28. Review status: criteria provided, single submitter. Criteria: Invitae Variant Classification Sherloc (09022015). Collection method: clinical testing. Allele origin: germline.
Comment: This sequence change replaces arginine, which is basic and polar, with glutamine, which is neutral and polar, at codon 186 of the CRYM protein (p.Arg186Gln). This variant is present in population databases (rs368131807, gnomAD 0.01%). This variant has not been reported in the literature in individuals affected with CRYM-related conditions. Invitae Evidence Modeling of protein sequence and biophysical properties (such as structural, functional, and spatial information, amino acid conservation, physicochemical variation, residue mobility, and thermodynamic stability) indicates that this missense variant is not expected to disrupt CRYM protein function with a negative predictive value of 80%. In summary, the available evidence is currently insufficient to determine the role of this variant in disease. Therefore, it has been classified as a Variant of Uncertain Significance.

NM_001376256.1(CRYM):c.557G>A (p.Arg186Gln)

Gene: CRYM (crystallin mu; minus strand). Cytogenetic location: 16p12.2.
Variant type: single nucleotide variant.
Coding change: c.557G>A on transcript NM_001376256.1 (MANE Select); coding-DNA position 557, G replaced by A.
Protein change: p.Arg186Gln; replaces arginine 186 with glutamine.
Molecular consequence: missense variant.
Genome position (GRCh38, 1-based): chr16:21,267,670, C>T on the plus strand (G>A on the coding strand, the complement: CRYM is on the minus strand). VCF-style: chr16-21267670-C-T. GRCh37 (hg19) VCF-style: chr16-21278991-C-T.
Other names: c.557G>A, p.Arg186Gln (NM_001888.5); c.557G>A (NM_001888.3); short protein forms R186Q.
Identifiers: ClinVar variation 3651063 (VCV003651063.3).
Genomic context (GRCh38, chr16:21,267,670, plus strand): 5'-AGGGTGACTGTGATGATCACATCTGCACCTGCCACAGCCTCCTGGACCGAAGAACAGACC[C>T]GTACCTCTCCTTGCACTGTGTCTGCAAACTTCTCTGCATTTTCTTTGGTGCGGTTCCATA-3'
Protein context (NP_001363185.1, residues 176-196): KFADTVQGEV[Arg186Gln]VCSSVQEAVA